The following is an entry in ClinVar:

NM_007294.4(BRCA1):c.3798C>G (p.Ser1266Arg)

Genes: BRCA1 (BRCA1 DNA repair associated; minus strand), LOC126862571 (BRD4-independent group 4 enhancer GRCh37_chr17:41243136-41244335; plus strand). Cytogenetic location: 17q21.31.
Variant type: single nucleotide variant.
Coding change: c.3798C>G on transcript NM_007294.4 (MANE Select); coding-DNA position 3798, C replaced by G.
Protein change: p.Ser1266Arg; replaces serine 1266 with arginine.
Molecular consequence: missense variant. On other transcripts: intron variant (135).
Genome position (GRCh38, 1-based): chr17:43,091,733, G>C on the plus strand (C>G on the coding strand, the complement: BRCA1 is on the minus strand). VCF-style: chr17-43091733-G-C. GRCh37 (hg19) VCF-style: chr17-41243750-G-C.
Other names: 3917C>G; c.3672C>G, p.Ser1224Arg (NM_001407670.1, NM_001407671.1, NM_001407672.1 and 11 more transcripts); c.3675C>G, p.Ser1225Arg (NM_001407674.1, NM_001407675.1, NM_001407676.1 and 19 more transcripts); c.3798C>G, p.Ser1266Arg (NM_001407684.1, NM_001407854.1, NM_001407858.1 and 30 more transcripts); c.3657C>G, p.Ser1219Arg (NM_001407692.1, NM_001407694.1, NM_001407695.1 and 29 more transcripts); c.3654C>G, p.Ser1218Arg (NM_001407740.1, NM_001407741.1, NM_001407742.1 and 20 more transcripts); c.3585C>G, p.Ser1195Arg (NM_001407853.1, NM_001407894.1, NM_001407895.1 and 9 more transcripts); c.3795C>G, p.Ser1265Arg (NM_001407860.1, NM_001407861.1, NM_001407587.1 and 22 more transcripts); and 42 more; short protein forms S1266R, S1219R, S1154R, S1196R, S1199R, S1224R, S1225R, S1139R.
Identifiers: ClinVar variation 91615 (VCV000091615.5), dbSNP rs200648498, ClinGen allele CA002447.

ClinVar aggregate classification (germline): Likely benign. Review status: criteria provided, single submitter (1 of 4 stars). 2 submissions from 2 submitters: Likely benign (1). 1 of the submissions does not count toward it. Last evaluated 2023-03-23.

Conditions:
Hereditary cancer-predisposing syndrome. Also called: Hereditary Cancer Syndrome; Hereditary neoplastic syndrome; Neoplastic Syndromes, Hereditary; Tumor predisposition. Identifiers: Orphanet 140162, MedGen C0027672, MeSH D009386, MONDO:0015356.
Breast-ovarian cancer, familial, susceptibility to, 1 (BROVCA1). Also called: BRCA1 Hereditary Breast and Ovarian Cancer; OVARIAN CANCER, SUSCEPTIBILITY TO. Identifiers: Orphanet 145, MedGen C2676676, MONDO:0011450, OMIM 604370. Disease mechanism: loss of function.

Submissions (2):

University of Washington Department of Laboratory Medicine, University of Washington
Classification: Likely benign for Hereditary cancer-predisposing syndrome. Last evaluated: 2023-03-23. Review status: criteria provided, single submitter. Criteria: Dines et al. (Genet Med. 2020). Collection method: curation. Allele origin: germline.
Comment: Missense variant in a coldspot region where missense variants are very unlikely to be pathogenic (PMID:31911673).

BRCA1 coldspot (exon 11 using historical exon numbering). Reclassification based on statistical prior probability

Sharing Clinical Reports Project (SCRP)
Classification: Uncertain significance for Breast-ovarian cancer, familial 1. Last evaluated: 2011-08-23. Review status: no assertion criteria provided. Collection method: clinical testing. Allele origin: germline. Not counted in ClinVar's aggregate classification.